The following is an entry in ClinVar:

NM_198253.3(TERT):c.1864C>T (p.Arg622Cys)

Gene: TERT (telomerase reverse transcriptase; minus strand). Cytogenetic location: 5p15.33.
Variant type: single nucleotide variant.
Coding change: c.1864C>T on transcript NM_198253.3 (MANE Select); coding-DNA position 1864, C replaced by T.
Protein change: p.Arg622Cys; replaces arginine 622 with cysteine.
Molecular consequence: missense variant. On other transcripts: non-coding transcript variant (2).
Genome position (GRCh38, 1-based): chr5:1,280,244, G>A on the plus strand (C>T on the coding strand, the complement: TERT is on the minus strand). VCF-style: chr5-1280244-G-A. GRCh37 (hg19) VCF-style: chr5-1280359-G-A.
Other names: c.1864C>T, p.Arg622Cys (NM_001193376.3); short protein forms R622C.
Identifiers: ClinVar variation 659164 (VCV000659164.12), dbSNP rs1579577192, ClinGen allele CA359081681.
Genomic context (GRCh38, chr5:1,280,244, plus strand): 5'-CTCCCACGACGTAGTCCATGTTCACAATCGGCCGCAGCCCGTCAGGCTTGGGGATGAAGC[G>A]GAGTCTGGACGTCAGCAGGGCGGGCCTGGCTTCCCGATGCTGCCTGACCTCTGCTTCCGA-3'
Protein context (NP_937983.2, residues 612-632): ARPALLTSRL[Arg622Cys]FIPKPDGLRP

ClinVar aggregate classification (germline): Conflicting classifications of pathogenicity. Review status: criteria provided, conflicting classifications (1 of 4 stars). 3 submissions from 3 submitters: Likely pathogenic (1); Uncertain significance (2). Last evaluated 2026-01-22.

Conditions:
Idiopathic Pulmonary Fibrosis. Also called: Idiopathic fibrosing alveolitis, chronic form; idiopathic fibrosing alveolitis. Identifiers: Orphanet 2032, MedGen C1800706, MeSH D054990, MONDO:0800504.
Dyskeratosis congenita, autosomal dominant 2. Identifiers: MedGen C3151443, MONDO:0013521, OMIM 613989.

Allele frequency attached by ClinVar (database versions not stated): gnomAD exomes below 0.00001; TOPMed 0.00001.
gnomAD v4.1: 5 of 1,613,888 alleles (0.00031%); highest among the groups gnomAD compares: Non-Finnish European, 0.00042%; no homozygotes.

Submissions (3):

GeneDx
Classification: Likely pathogenic. Last evaluated: 2026-01-22. Review status: criteria provided, single submitter. Criteria: GeneDx Variant Classification Process June 2021. Collection method: clinical testing. Allele origin: germline.
Comment: Not observed at significant frequency in large population cohorts (gnomAD); In silico analysis supports that this missense variant has a deleterious effect on protein structure/function; This variant is associated with the following publications: (PMID: 33883742, 25612863, 35418675, 37665761, 38159192, 38426822)

Women's Health and Genetics/Laboratory Corporation of America, LabCorp
Classification: Uncertain significance. Last evaluated: 2025-09-09. Review status: criteria provided, single submitter. Criteria: LabCorp Variant Classification Summary - May 2015. Collection method: clinical testing. Allele origin: germline.
Comment: Variant summary: TERT c.1864C>T (p.Arg622Cys) results in a non-conservative amino acid change in the encoded protein sequence. Algorithms developed to predict the effect of missense changes on protein structure and function all suggest that this variant is likely to be disruptive. The variant was absent in 251286 control chromosomes (gnomAD). The available data on variant occurrences in the general population are insufficient to allow any conclusion about variant significance. c.1864C>T has been observed in individuals affected with TERT-Related Disorders (e.g., Borie_2015, Ferrer_2023). These data do not allow any conclusion about variant significance. To our knowledge, no experimental evidence demonstrating an impact on protein function has been reported. The following publications have been ascertained in the context of this evaluation (PMID: 25612863, 37665761). ClinVar contains an entry for this variant (Variation ID: 659164). Based on the evidence outlined above, the variant was classified as uncertain significance.

Labcorp Genetics (formerly Invitae), Labcorp
Classification: Uncertain significance for Dyskeratosis congenita, autosomal dominant 2; Idiopathic Pulmonary Fibrosis. Last evaluated: 2024-11-29. Review status: criteria provided, single submitter. Criteria: Invitae Variant Classification Sherloc (09022015). Collection method: clinical testing. Allele origin: germline.
Comment: This sequence change replaces arginine, which is basic and polar, with cysteine, which is neutral and slightly polar, at codon 622 of the TERT protein (p.Arg622Cys). This variant is not present in population databases (gnomAD no frequency). This missense change has been observed in individual(s) with pulmonary fibrosis (PMID: 25612863). ClinVar contains an entry for this variant (Variation ID: 659164). Invitae Evidence Modeling of protein sequence and biophysical properties (such as structural, functional, and spatial information, amino acid conservation, physicochemical variation, residue mobility, and thermodynamic stability) indicates that this missense variant is expected to disrupt TERT protein function with a positive predictive value of 95%. In summary, the available evidence is currently insufficient to determine the role of this variant in disease. Therefore, it has been classified as a Variant of Uncertain Significance.

Literature cited by the submitters: PubMed 37665761 (cited by Women's Health and Genetics/Laboratory Corporation of America, LabCorp); PubMed 25612863 (cited by Women's Health and Genetics/Laboratory Corporation of America, LabCorp and Labcorp Genetics (formerly Invitae), Labcorp).